The following is an entry in ClinVar:

NM_001082971.2(DDC):c.1235G>A (p.Arg412Gln)

Gene: DDC (dopa decarboxylase; minus strand). Cytogenetic location: 7p12.2.
Variant type: single nucleotide variant.
Coding change: c.1235G>A on transcript NM_001082971.2 (MANE Select); coding-DNA position 1235, G replaced by A.
Protein change: p.Arg412Gln; replaces arginine 412 with glutamine.
Molecular consequence: missense variant.
Genome position (GRCh38, 1-based): chr7:50,467,221, C>T on the plus strand (G>A on the coding strand, the complement: DDC is on the minus strand). VCF-style: chr7-50467221-C-T. GRCh37 (hg19) VCF-style: chr7-50534919-C-T.
Other names: c.1235G>A, p.Arg412Gln (NM_000790.4); c.1121G>A, p.Arg374Gln (NM_001242886.2); c.1091G>A, p.Arg364Gln (NM_001242887.2); c.1001G>A, p.Arg334Gln (NM_001242888.2); c.956G>A, p.Arg319Gln (NM_001242889.2); short protein forms R334Q, R364Q, R412Q, R374Q, R319Q.
Identifiers: ClinVar variation 1360226 (VCV001360226.5), dbSNP rs756907276, ClinGen allele CA4262022.

ClinVar aggregate classification (germline): Uncertain significance (1 of 4 stars; one submission).

Conditions:
Deficiency of aromatic-L-amino-acid decarboxylase. Also called: AADC DEFICIENCY; DDC DEFICIENCY; DOPA DECARBOXYLASE DEFICIENCY; Aromatic L-Amino Acid Decarboxylase Deficiency; Aromatic amino acid decarboxylase deficiency. Identifiers: Orphanet 35708, MedGen C1291564, MONDO:0012084, OMIM 608643.

Allele frequency attached by ClinVar (database versions not stated): TOPMed below 0.00001; gnomAD 0.00001; gnomAD exomes 0.00001; ExAC 0.00002.
gnomAD v4.1: 18 of 1,613,522 alleles (0.0011%); highest among the groups gnomAD compares: South Asian, 0.0077%; no homozygotes.

Submission:

Labcorp Genetics (formerly Invitae), Labcorp
Classification: Uncertain significance for Deficiency of aromatic-L-amino-acid decarboxylase. Last evaluated: 2025-05-04. Review status: criteria provided, single submitter. Criteria: Invitae Variant Classification Sherloc (09022015). Collection method: clinical testing. Allele origin: germline.
Comment: This sequence change replaces arginine, which is basic and polar, with glutamine, which is neutral and polar, at codon 412 of the DDC protein (p.Arg412Gln). This variant is present in population databases (rs756907276, gnomAD 0.006%). This variant has not been reported in the literature in individuals affected with DDC-related conditions. ClinVar contains an entry for this variant (Variation ID: 1360226). Invitae Evidence Modeling of protein sequence and biophysical properties (such as structural, functional, and spatial information, amino acid conservation, physicochemical variation, residue mobility, and thermodynamic stability) has been performed for this missense variant. However, the output from this modeling did not meet the statistical confidence thresholds required to predict the impact of this variant on DDC protein function. This variant disrupts the p.Arg412 amino acid residue in DDC. Other variant(s) that disrupt this residue have been determined to be pathogenic (PMID: 18567514, 28856607, 31975548). This suggests that this residue is clinically significant, and that variants that disrupt this residue are likely to be disease-causing. In summary, the available evidence is currently insufficient to determine the role of this variant in disease. Therefore, it has been classified as a Variant of Uncertain Significance.

Literature cited by the submitters: PubMed 18567514; PubMed 28856607; PubMed 31975548.